The following is an entry in ClinVar:

ClinVar aggregate classification (germline): Benign. Review status: criteria provided, multiple submitters, no conflicts (2 of 4 stars). 6 submissions from 4 submitters: Benign (6). Last evaluated 2021-07-30.

Conditions:
Charcot-Marie-Tooth disease. Also called: Charcot-Marie-Tooth Neuropathy; Charcot-Marie-Tooth Hereditary Neuropathy. Identifiers: Orphanet 166, MedGen C0007959, MONDO:0015626.
Charcot-Marie-Tooth disease axonal type 2O. Also called: CHARCOT-MARIE-TOOTH NEUROPATHY, AXONAL, TYPE 2O; CHARCOT-MARIE-TOOTH DISEASE, AXONAL, AUTOSOMAL DOMINANT, TYPE 2O; Charcot-Marie-Tooth Neuropathy Type 2O; Charcot-Marie-Tooth disease, axonal, type 20. Identifiers: Orphanet 284232, MedGen C3280220, MONDO:0013644, OMIM 614228.
Autosomal dominant childhood-onset proximal spinal muscular atrophy without contractures. Also called: SPINAL MUSCULAR ATROPHY, JUVENILE, PROXIMAL, AUTOSOMAL DOMINANT; KUGELBERG-WELANDER SYNDROME, AUTOSOMAL DOMINANT; Spinal muscular atrophy, lower extremity-predominant 1, AD; SPINAL MUSCULAR ATROPHY, CHILDHOOD, PROXIMAL, AUTOSOMAL DOMINANT. Identifiers: Orphanet 209341, Orphanet 363447, MedGen C5780022, MONDO:0008026, OMIM 158600.
Cortical dysplasia, complex, with other brain malformations 13. Also called: Intellectual disability, autosomal dominant 13. Identifiers: MedGen C3281202, MONDO:0013805, OMIM 614563.

Allele frequency attached by ClinVar (database versions not stated): gnomAD exomes 0.11759 and 0.14083; ESP Exome Variant Server 0.15470; gnomAD 0.15530 and 0.15653; ExAC 0.14241; TOPMed 0.16361; 1000 Genomes Project 30x 0.20112; 1000 Genomes Project 0.20148.
gnomAD v4.1: 196,334 of 1,613,926 alleles (12%); highest among the groups gnomAD compares: African/African-American, 25%; 13,457 homozygotes.

Submissions (6):

Genome-Nilou Lab
Classification: Benign for Charcot-Marie-Tooth disease axonal type 2O. Last evaluated: 2021-07-30. Review status: criteria provided, single submitter. Criteria: ACMG Guidelines, 2015. Collection method: clinical testing. Allele origin: germline. Affected: no.

Genome-Nilou Lab
Classification: Benign for Cortical dysplasia, complex, with other brain malformations 13. Last evaluated: 2021-07-30. Review status: criteria provided, single submitter. Criteria: ACMG Guidelines, 2015. Collection method: clinical testing. Allele origin: germline. Affected: no.

Genome-Nilou Lab
Classification: Benign for Autosomal dominant childhood-onset proximal spinal muscular atrophy without contractures. Last evaluated: 2021-07-30. Review status: criteria provided, single submitter. Criteria: ACMG Guidelines, 2015. Collection method: clinical testing. Allele origin: germline. Affected: no.

GeneDx
Classification: Benign. Last evaluated: 2018-06-18. Review status: criteria provided, single submitter. Criteria: GeneDx Variant Classification (06012015). Collection method: clinical testing. Allele origin: germline. Affected: yes.
Comment: This variant is considered likely benign or benign based on one or more of the following criteria: it is a conservative change, it occurs at a poorly conserved position in the protein, it is predicted to be benign by multiple in silico algorithms, and/or has population frequency not consistent with disease.

Breakthrough Genomics
Classification: Benign. Review status: criteria provided, single submitter. Criteria: ACMG Guidelines, 2015. Collection method: not provided. Allele origin: germline. Inheritance: Autosomal dominant inheritance. Affected: yes.

Molecular Genetics Laboratory, London Health Sciences Centre
Classification: Benign for Charcot-Marie-Tooth disease. Review status: criteria provided, single submitter. Criteria: ACMG Guidelines, 2015. Collection method: clinical testing. Allele origin: germline. Affected: yes.

NM_001376.5(DYNC1H1):c.3333+23A>G

Gene: DYNC1H1 (dynein cytoplasmic 1 heavy chain 1; plus strand). Cytogenetic location: 14q32.31.
Variant type: single nucleotide variant.
Coding change: c.3333+23A>G on transcript NM_001376.5 (MANE Select); 23 bases into the intron after coding-DNA position 3333, A replaced by G.
Molecular consequence: intron variant.
Genome position (GRCh38, 1-based): chr14:101,994,872, A>G. VCF-style: chr14-101994872-A-G. GRCh37 (hg19) VCF-style: chr14-102461209-A-G.
Identifiers: ClinVar variation 674075 (VCV000674075.6), dbSNP rs4900529, ClinGen allele CA7351981.
Genomic context (GRCh38, chr14:101,994,872, plus strand): 5'-AGAAAGAGTTTGGACCAGTAGTTATAGATTATGGCAAGGTGAGCCCTGCTGTCTGGTTGA[A>G]AGGTGTCACGGGTAGTGTAAAAGCAACATTTCTGTTAGACTGATATTCATTTGAAGGATA-3'